The following is an entry in ClinVar:

ClinVar aggregate classification (germline): Uncertain significance. Review status: criteria provided, multiple submitters, no conflicts (2 of 4 stars). 3 submissions from 3 submitters: Uncertain significance (3). Last evaluated 2024-12-14.

Conditions:
Severe combined immunodeficiency due to DNA-PKcs deficiency. Also called: IMMUNODEFICIENCY 26 WITH NEUROLOGIC ABNORMALITIES; Immunodeficiency 26 with or without neurologic abnormalities. Identifiers: Orphanet 317425, MedGen C4014833, MONDO:0014423, OMIM 615966.

Allele frequency attached by ClinVar (database versions not stated): gnomAD 0.00001 and 0.00002; gnomAD exomes 0.00001; TOPMed 0.00004.
gnomAD v4.1: 10 of 1,548,330 alleles (0.00065%); highest among the groups gnomAD compares: Non-Finnish European, 0.00079%; no homozygotes.

Submissions (3):

Women's Health and Genetics/Laboratory Corporation of America, LabCorp
Classification: Uncertain significance. Last evaluated: 2024-12-14. Review status: criteria provided, single submitter. Criteria: LabCorp Variant Classification Summary - May 2015. Collection method: clinical testing. Allele origin: germline.

Labcorp Genetics (formerly Invitae), Labcorp
Classification: Uncertain significance for Severe combined immunodeficiency due to DNA-PKcs deficiency. Last evaluated: 2022-10-25. Review status: criteria provided, single submitter. Criteria: Invitae Variant Classification Sherloc (09022015). Collection method: clinical testing. Allele origin: germline.
Comment: In summary, the available evidence is currently insufficient to determine the role of this variant in disease. Therefore, it has been classified as a Variant of Uncertain Significance. Variants that disrupt the consensus splice site are a relatively common cause of aberrant splicing (PMID: 17576681, 9536098). Algorithms developed to predict the effect of sequence changes on RNA splicing suggest that this variant is not likely to affect RNA splicing. ClinVar contains an entry for this variant (Variation ID: 1690801). This variant has not been reported in the literature in individuals affected with PRKDC-related conditions. This variant is not present in population databases (gnomAD no frequency). This sequence change falls in intron 29 of the PRKDC gene. It does not directly change the encoded amino acid sequence of the PRKDC protein. It affects a nucleotide within the consensus splice site.

Laboratorio de Genetica e Diagnostico Molecular, Hospital Israelita Albert Einstein
Classification: Uncertain significance. Last evaluated: 2019-04-24. Review status: criteria provided, single submitter. Criteria: ACMG Guidelines, 2015. Collection method: clinical testing. Allele origin: germline. Affected: yes.
Comment: ACMG classification criteria: PM2

Literature cited by the submitters: PubMed 17576681 (cited by Labcorp Genetics (formerly Invitae), Labcorp); PubMed 9536098 (cited by Labcorp Genetics (formerly Invitae), Labcorp).

NM_006904.7(PRKDC):c.3464+4G>A

Gene: PRKDC (protein kinase, DNA-activated, catalytic subunit; minus strand). Cytogenetic location: 8q11.21.
Variant type: single nucleotide variant.
Coding change: c.3464+4G>A on transcript NM_006904.7 (MANE Select); 4 bases into the intron after coding-DNA position 3464, G replaced by A.
Molecular consequence: intron variant.
Genome position (GRCh38, 1-based): chr8:47,898,466, C>T on the plus strand (G>A on the coding strand, the complement: PRKDC is on the minus strand). VCF-style: chr8-47898466-C-T. GRCh37 (hg19) VCF-style: chr8-48811026-C-T.
Other names: c.3464+4G>A (NM_001081640.2).
Identifiers: ClinVar variation 1690801 (VCV001690801.6), dbSNP rs758498140, ClinGen allele CA4741184.